The following is an entry in ClinVar:

ClinVar aggregate classification (germline): Uncertain significance. Review status: criteria provided, multiple submitters, no conflicts (2 of 4 stars). 2 submissions from 2 submitters: Uncertain significance (2). Last evaluated 2024-12-08.

Submissions (2):

Labcorp Genetics (formerly Invitae), Labcorp
Classification: Uncertain significance. Last evaluated: 2024-12-08. Review status: criteria provided, single submitter. Criteria: Invitae Variant Classification Sherloc (09022015). Collection method: clinical testing. Allele origin: germline.
Comment: This sequence change replaces glutamic acid, which is acidic and polar, with glycine, which is neutral and non-polar, at codon 15 of the ZNF513 protein (p.Glu15Gly). This variant is not present in population databases (gnomAD no frequency). This variant has not been reported in the literature in individuals affected with ZNF513-related conditions. ClinVar contains an entry for this variant (Variation ID: 2389421). An algorithm developed to predict the effect of missense changes on protein structure and function (PolyPhen-2) suggests that this variant is likely to be tolerated. In summary, the available evidence is currently insufficient to determine the role of this variant in disease. Therefore, it has been classified as a Variant of Uncertain Significance.

Ambry Genetics
Classification: Uncertain significance. Last evaluated: 2021-09-01. Review status: criteria provided, single submitter. Criteria: Ambry Variant Classification Scheme 2023. Collection method: clinical testing. Allele origin: germline.

NM_144631.6(ZNF513):c.44A>G (p.Glu15Gly)

Gene: ZNF513 (zinc finger protein 513; minus strand). Cytogenetic location: 2p23.3.
Variant type: single nucleotide variant.
Coding change: c.44A>G on transcript NM_144631.6 (MANE Select); coding-DNA position 44, A replaced by G.
Protein change: p.Glu15Gly; replaces glutamic acid 15 with glycine.
Molecular consequence: missense variant.
Genome position (GRCh38, 1-based): chr2:27,380,483, T>C on the plus strand (A>G on the coding strand, the complement: ZNF513 is on the minus strand). VCF-style: chr2-27380483-T-C. GRCh37 (hg19) VCF-style: chr2-27603350-T-C.
Other names: short protein forms E15G.
Identifiers: ClinVar variation 2389421 (VCV002389421.4), dbSNP rs751113112, ClinGen allele CA346220308.